The following is an entry in ClinVar:

NM_001017420.3(ESCO2):c.152_153del (p.Gln51fs)

Gene: ESCO2 (establishment of sister chromatid cohesion N-acetyltransferase 2; plus strand). Cytogenetic location: 8p21.1.
Variant type: Deletion.
Coding change: c.152_153del on transcript NM_001017420.3 (MANE Select); coding-DNA positions 152 to 153, 2 bases deleted (AA; older notation c.152_153delAA).
Protein change: p.Gln51fs; shifts the reading frame from glutamine 51.
Molecular consequence: frameshift variant.
Genome position (GRCh38, 1-based): chr8:27,776,460-27,776,461, AA deleted. VCF-style (leftmost placement, unchanged base first): chr8-27776459-CAA-C. GRCh37 (hg19) VCF-style: chr8-27633976-CAA-C.
Other names: short protein forms Q51fs.
Identifiers: ClinVar variation 1375819 (VCV001375819.6), dbSNP rs2128951038, ClinGen allele CA2573142786.

ClinVar aggregate classification (germline): Pathogenic (1 of 4 stars; one submission).

Submission:

Labcorp Genetics (formerly Invitae), Labcorp
Classification: Pathogenic. Last evaluated: 2021-08-14. Review status: criteria provided, single submitter. Criteria: Invitae Variant Classification Sherloc (09022015). Collection method: clinical testing. Allele origin: germline.
Comment: Algorithms developed to predict the effect of sequence changes on RNA splicing suggest that this variant may create or strengthen a splice site. For these reasons, this variant has been classified as Pathogenic. This variant has not been reported in the literature in individuals affected with ESCO2-related conditions. This variant is not present in population databases (ExAC no frequency). This sequence change creates a premature translational stop signal (p.Gln51Profs*13) in the ESCO2 gene. It is expected to result in an absent or disrupted protein product. Loss-of-function variants in ESCO2 are known to be pathogenic (PMID: 15821733, 16380922).

Literature cited by the submitters: PubMed 15821733; PubMed 16380922.